The following is an entry in ClinVar:

ClinVar aggregate classification (germline): Uncertain significance. Review status: criteria provided, multiple submitters, no conflicts (2 of 4 stars). 2 submissions from 2 submitters: Uncertain significance (2). Last evaluated 2024-03-21.

Conditions:
Hereditary cancer-predisposing syndrome. Also called: Hereditary neoplastic syndrome; Tumor predisposition; Hereditary Cancer Syndrome; Neoplastic Syndromes, Hereditary. Identifiers: Orphanet 140162, MedGen C0027672, MeSH D009386, MONDO:0015356.
Retinoblastoma (RB1). Also called: RETINOBLASTOMA, SOMATIC. Identifiers: Orphanet 790, MedGen C0035335, MeSH D012175, MONDO:0008380, OMIM 180200, HP:0009919. Disease mechanism: loss of function. Inheritance: Both sporadic and heritable forms are tested..

Submissions (2):

Labcorp Genetics (formerly Invitae), Labcorp
Classification: Uncertain significance for Retinoblastoma. Last evaluated: 2024-03-21. Review status: criteria provided, single submitter. Criteria: Invitae Variant Classification Sherloc (09022015). Collection method: clinical testing. Allele origin: germline.
Comment: This sequence change replaces proline, which is neutral and non-polar, with serine, which is neutral and polar, at codon 776 of the RB1 protein (p.Pro776Ser). This variant is not present in population databases (gnomAD no frequency). This variant has not been reported in the literature in individuals affected with RB1-related conditions. ClinVar contains an entry for this variant (Variation ID: 2585730). An algorithm developed to predict the effect of missense changes on protein structure and function (PolyPhen-2) suggests that this variant is likely to be disruptive. In summary, the available evidence is currently insufficient to determine the role of this variant in disease. Therefore, it has been classified as a Variant of Uncertain Significance.

Ambry Genetics
Classification: Uncertain significance for Hereditary cancer-predisposing syndrome. Last evaluated: 2023-08-16. Review status: criteria provided, single submitter. Criteria: Ambry Variant Classification Scheme 2023. Collection method: clinical testing. Allele origin: germline.
Comment: The p.P776S variant (also known as c.2326C>T) is located in coding exon 23 of the RB1 gene. The proline at codon 776 is replaced by serine, an amino acid with similar properties. This change occurs in the first base pair of coding exon 23. This amino acid position is highly conserved in available vertebrate species. In addition, the in silico prediction for this alteration is inconclusive. Since supporting evidence is limited at this time, the clinical significance of this alteration remains unclear.

NM_000321.3(RB1):c.2326C>T (p.Pro776Ser)

Gene: RB1 (RB transcriptional corepressor 1; plus strand). Cytogenetic location: 13q14.2.
Variant type: single nucleotide variant.
Coding change: c.2326C>T on transcript NM_000321.3 (MANE Select); coding-DNA position 2326, C replaced by T.
Protein change: p.Pro776Ser; replaces proline 776 with serine.
Molecular consequence: missense variant.
Genome position (GRCh38, 1-based): chr13:48,465,205, C>T. VCF-style: chr13-48465205-C-T. GRCh37 (hg19) VCF-style: chr13-49039341-C-T.
Other names: c.2326C>T, p.Pro776Ser (NM_001407165.1); short protein forms P776S.
Identifiers: ClinVar variation 2585730 (VCV002585730.4), dbSNP rs2138345448, ClinGen allele CA388167749.